The following is an entry in ClinVar:

ClinVar aggregate classification (germline): Uncertain significance (1 of 4 stars; one submission).

Conditions:
Charcot-Marie-Tooth disease type 2. Also called: Charcot-Marie-Tooth type 2. Identifiers: Orphanet 64746, MedGen C0270914, MONDO:0018993.

Submission:

Labcorp Genetics (formerly Invitae), Labcorp
Classification: Uncertain significance for Charcot-Marie-Tooth disease type 2. Last evaluated: 2025-06-29. Review status: criteria provided, single submitter. Criteria: Invitae Variant Classification Sherloc (09022015). Collection method: clinical testing. Allele origin: germline.
Comment: This sequence change replaces alanine, which is neutral and non-polar, with glutamic acid, which is acidic and polar, at codon 734 of the AARS protein (p.Ala734Glu). This variant is not present in population databases (gnomAD no frequency). This variant has not been reported in the literature in individuals affected with AARS-related conditions. Invitae Evidence Modeling of protein sequence and biophysical properties (such as structural, functional, and spatial information, amino acid conservation, physicochemical variation, residue mobility, and thermodynamic stability) has been performed for this missense variant. However, the output from this modeling did not meet the statistical confidence thresholds required to predict the impact of this variant on AARS protein function. In summary, the available evidence is currently insufficient to determine the role of this variant in disease. Therefore, it has been classified as a Variant of Uncertain Significance.

NM_001605.3(AARS1):c.2201C>A (p.Ala734Glu)

Gene: AARS1 (alanyl-tRNA synthetase 1; minus strand). Cytogenetic location: 16q22.1.
Variant type: single nucleotide variant.
Coding change: c.2201C>A on transcript NM_001605.3 (MANE Select); coding-DNA position 2201, C replaced by A.
Protein change: p.Ala734Glu; replaces alanine 734 with glutamic acid.
Molecular consequence: missense variant.
Genome position (GRCh38, 1-based): chr16:70,255,813, G>T on the plus strand (C>A on the coding strand, the complement: AARS1 is on the minus strand). VCF-style: chr16-70255813-G-T. GRCh37 (hg19) VCF-style: chr16-70289716-G-T.
Other names: short protein forms A734E.
Identifiers: ClinVar variation 4746000 (VCV004746000.1).